The following is an entry in ClinVar:

NM_001130823.3(DNMT1):c.2626G>A (p.Gly876Arg)

Gene: DNMT1 (DNA methyltransferase 1; minus strand). Cytogenetic location: 19p13.2.
Variant type: single nucleotide variant.
Coding change: c.2626G>A on transcript NM_001130823.3 (MANE Select); coding-DNA position 2626, G replaced by A.
Protein change: p.Gly876Arg; replaces glycine 876 with arginine.
Molecular consequence: missense variant.
Genome position (GRCh38, 1-based): chr19:10,148,978, C>T on the plus strand (G>A on the coding strand, the complement: DNMT1 is on the minus strand). VCF-style: chr19-10148978-C-T. GRCh37 (hg19) VCF-style: chr19-10259654-C-T.
Other names: c.2626G>A (LRG_362t1); c.2578G>A, p.Gly860Arg (NM_001318730.2, NM_001379.4); c.2263G>A, p.Gly755Arg (NM_001318731.2); short protein forms G876R, G755R, G860R.
Identifiers: ClinVar variation 327899 (VCV000327899.18), dbSNP rs62621087, ClinGen allele CA9187986.

ClinVar aggregate classification (germline): Benign/Likely benign. Review status: criteria provided, multiple submitters, no conflicts (2 of 4 stars). 5 submissions from 5 submitters: Benign (1); Likely benign (4). Last evaluated 2025-12-01.

Conditions:
Hereditary sensory neuropathy-deafness-dementia syndrome. Also called: NEUROPATHY, HEREDITARY SENSORY, WITH HEARING LOSS AND DEMENTIA; Hereditary Sensory and Autonomic Neuropathy Type 1E (HSAN1E); HSN IE; Hereditary sensory neuropathy type IE. Identifiers: Orphanet 456318, MedGen C3279885, MONDO:0013584, OMIM 614116.
Inborn genetic diseases. Identifiers: MedGen C0950123, MeSH D030342.

Allele frequency attached by ClinVar (database versions not stated): ESP Exome Variant Server 0.00031; ExAC 0.00035; gnomAD 0.00038 and 0.00039; 1000 Genomes Project 30x 0.00047; gnomAD exomes 0.00048; 1000 Genomes Project 0.00060; TOPMed 0.00064.
gnomAD v4.1: 940 of 1,614,116 alleles (0.058%); highest among the groups gnomAD compares: East Asian, 0.77%; 2 homozygotes.

Submissions (5):

Labcorp Genetics (formerly Invitae), Labcorp
Classification: Likely benign for Hereditary sensory neuropathy-deafness-dementia syndrome. Last evaluated: 2025-12-01. Review status: criteria provided, single submitter. Criteria: Invitae Variant Classification Sherloc (09022015). Collection method: clinical testing. Allele origin: germline.

Blueprint Genetics
Classification: Likely benign. Last evaluated: 2024-10-31. Review status: criteria provided, single submitter. Criteria: ACMG Guidelines, 2015. Collection method: clinical testing. Allele origin: germline.

Ambry Genetics
Classification: Likely benign for Inborn genetic diseases. Last evaluated: 2020-03-05. Review status: criteria provided, single submitter. Criteria: Ambry Variant Classification Scheme 2023. Collection method: clinical testing. Allele origin: germline.

Illumina Laboratory Services, Illumina
Classification: Benign for Hereditary sensory neuropathy-deafness-dementia syndrome. Last evaluated: 2018-01-13. Review status: criteria provided, single submitter. Criteria: ICSL Variant Classification Criteria 13 December 2019. Collection method: clinical testing. Allele origin: germline.
Comment: This variant was observed in the ICSL laboratory as part of a predisposition screen in an ostensibly healthy population. It had not been previously curated by ICSL or reported in the Human Gene Mutation Database (HGMD: prior to June 1st, 2018), and was therefore a candidate for classification through an automated scoring system. Utilizing variant allele frequency, disease prevalence and penetrance estimates, and inheritance mode, an automated score was calculated to assess if this variant is too frequent to cause the disease. Based on the score and internal cut-off values, a variant classified as benign is not then subjected to further curation. The score for this variant resulted in a classification of benign for this disease.

GeneDx
Classification: Likely benign. Last evaluated: 2017-10-25. Review status: criteria provided, single submitter. Criteria: GeneDx Variant Classification (06012015). Collection method: clinical testing. Allele origin: germline. Affected: yes.
Comment: This variant is considered likely benign or benign based on one or more of the following criteria: it is a conservative change, it occurs at a poorly conserved position in the protein, it is predicted to be benign by multiple in silico algorithms, and/or has population frequency not consistent with disease.